The following is an entry in ClinVar:

ClinVar aggregate classification (germline): Uncertain significance (1 of 4 stars; one submission).

Conditions:
Hereditary cancer-predisposing syndrome. Also called: Neoplastic Syndromes, Hereditary; Tumor predisposition; Hereditary neoplastic syndrome; Hereditary Cancer Syndrome. Identifiers: Orphanet 140162, MedGen C0027672, MeSH D009386, MONDO:0015356.

Allele frequency attached by ClinVar (database versions not stated): TOPMed below 0.00001; gnomAD 0.00001.

Submission:

Labcorp Genetics (formerly Invitae), Labcorp
Classification: Uncertain significance for Hereditary cancer-predisposing syndrome. Last evaluated: 2025-03-30. Review status: criteria provided, single submitter. Criteria: Invitae Variant Classification Sherloc (09022015). Collection method: clinical testing. Allele origin: germline.
Comment: This sequence change falls in intron 2 of the RAD50 gene. It does not directly change the encoded amino acid sequence of the RAD50 protein. It affects a nucleotide within the consensus splice site. This variant is not present in population databases (gnomAD no frequency). This variant has not been reported in the literature in individuals affected with RAD50-related conditions. ClinVar contains an entry for this variant (Variation ID: 579819). Variants that disrupt the consensus splice site are a relatively common cause of aberrant splicing (PMID: 17576681, 9536098). Algorithms developed to predict the effect of sequence changes on RNA splicing suggest that this variant may disrupt the consensus splice site. In summary, the available evidence is currently insufficient to determine the role of this variant in disease. Therefore, it has been classified as a Variant of Uncertain Significance.

Literature cited by the submitters: PubMed 17576681; PubMed 9536098.

NM_005732.4(RAD50):c.214-3A>G

Gene: RAD50 (RAD50 double strand break repair protein; plus strand). Cytogenetic location: 5q31.1.
Variant type: single nucleotide variant.
Coding change: c.214-3A>G on transcript NM_005732.4 (MANE Select); 3 bases into the intron before coding-DNA position 214, A replaced by G.
Molecular consequence: intron variant.
Genome position (GRCh38, 1-based): chr5:132,575,774, A>G. VCF-style: chr5-132575774-A-G. GRCh37 (hg19) VCF-style: chr5-131911466-A-G.
Identifiers: ClinVar variation 579819 (VCV000579819.9), dbSNP rs1561634273, ClinGen allele CA891842977.